The following is an entry in ClinVar:

NM_004360.5(CDH1):c.486C>T (p.Ser162=)

Gene: CDH1 (cadherin 1; plus strand). Cytogenetic location: 16q22.1.
Variant type: single nucleotide variant.
Coding change: c.486C>T on transcript NM_004360.5 (MANE Select); coding-DNA position 486, C replaced by T.
Protein change: p.Ser162=; no amino-acid change (serine 162 retained).
Molecular consequence: synonymous variant. On other transcripts: 5 prime UTR variant (2).
Genome position (GRCh38, 1-based): chr16:68,808,522, C>T. VCF-style: chr16-68808522-C-T. GRCh37 (hg19) VCF-style: chr16-68842425-C-T.
Other names: c.486C>T (LRG_301t1); c.486C>T, p.Ser162= (NM_001317184.2); c.-1130C>T (NM_001317185.2); c.-1334C>T (NM_001317186.2).
Identifiers: ClinVar variation 463782 (VCV000463782.10), dbSNP rs1555515219, ClinGen allele CA496392221.
Genomic context (GRCh38, chr16:68,808,522, plus strand): 5'-TCCCAACTCCTCTCCTGGCCTCAGAAGACAGAAGAGAGACTGGGTTATTCCTCCCATCAG[C>T]TGCCCAGAAAATGAAAAAGGCCCATTTCCTAAAAACCTGGTTCAGGTAGAGAAAGAAGTT-3'
Protein context (NP_004351.1, residues 152-172): QKRDWVIPPI[Ser162=]CPENEKGPFP

ClinVar aggregate classification (germline): Benign/Likely benign. Review status: criteria provided, multiple submitters, no conflicts (2 of 4 stars). 2 submissions from 2 submitters: Benign (1); Likely benign (1). Last evaluated 2024-09-13.

Conditions:
Hereditary diffuse gastric adenocarcinoma (HDGC). Also called: DIFFUSE GASTRIC AND LOBULAR BREAST CANCER SYNDROME. Identifiers: Orphanet 26106, MedGen C1708349, MONDO:0007648, OMIM 137215.

Submissions (2):

Myriad Genetics, Inc.
Classification: Benign for Hereditary diffuse gastric adenocarcinoma. Last evaluated: 2024-09-13. Review status: criteria provided, single submitter. Criteria: Myriad Autosomal Dominant, Autosomal Recessive and X-Linked Classification Criteria (2023). Collection method: clinical testing. Allele origin: unknown.
Comment: This variant is considered benign. This variant is a silent/synonymous amino acid change and it is not expected to impact splicing.

Labcorp Genetics (formerly Invitae), Labcorp
Classification: Likely benign for Hereditary diffuse gastric adenocarcinoma. Last evaluated: 2017-02-06. Review status: criteria provided, single submitter. Criteria: Invitae Variant Classification Sherloc (09022015). Collection method: clinical testing. Allele origin: germline.